The following is an entry in ClinVar:

NM_001369441.2(NIF3L1):c.9A>G (p.Ser3=)

Gene: NIF3L1 (NGG1 interacting factor 3 like 1; plus strand). Cytogenetic location: 2q33.1.
Variant type: single nucleotide variant.
Coding change: c.9A>G on transcript NM_001369441.2 (MANE Select); coding-DNA position 9, A replaced by G.
Protein change: p.Ser3=; no amino-acid change (serine 3 retained).
Molecular consequence: synonymous variant. On other transcripts: intron variant (3).
Genome position (GRCh38, 1-based): chr2:200,891,952, A>G. VCF-style: chr2-200891952-A-G. GRCh37 (hg19) VCF-style: chr2-201756675-A-G.
Other names: c.9A>G, p.Ser3= (NM_001136039.2, NM_001142356.1, NM_001369442.1 and 2 more transcripts); c.-56-17A>G (NM_001142355.1, NM_001369443.1, NM_021824.3).
Identifiers: ClinVar variation 720553 (VCV000720553.12), dbSNP rs115524838, ClinGen allele CA2051004.

ClinVar aggregate classification (germline): Benign/Likely benign. Review status: criteria provided, multiple submitters, no conflicts (2 of 4 stars). 3 submissions from 3 submitters: Benign (2); Likely benign (1). Last evaluated 2025-06-01.

Allele frequency attached by ClinVar (database versions not stated): gnomAD exomes 0.00036 and 0.00086; ExAC 0.00187; ESP Exome Variant Server 0.00263; gnomAD 0.00355 and 0.00381; 1000 Genomes Project 0.00359; 1000 Genomes Project 30x 0.00375; TOPMed 0.00388.
gnomAD v4.1: 1,081 of 1,604,236 alleles (0.067%); highest among the groups gnomAD compares: African/African-American, 1.2%; 5 homozygotes.

Submissions (3):

CeGaT Center for Human Genetics Tuebingen
Classification: Likely benign. Last evaluated: 2025-06-01. Review status: criteria provided, single submitter. Criteria: CeGaT Center For Human Genetics Tuebingen Variant Classification Criteria Version 2. Collection method: clinical testing. Allele origin: germline. Affected: yes. Observed: 1 variant allele.
Comment: NIF3L1: BP4, BP7, BS1

Labcorp Genetics (formerly Invitae), Labcorp
Classification: Benign. Last evaluated: 2019-01-03. Review status: criteria provided, single submitter. Criteria: Invitae Variant Classification Sherloc (09022015). Collection method: clinical testing. Allele origin: germline.

Breakthrough Genomics
Classification: Benign. Review status: criteria provided, single submitter. Criteria: ACMG Guidelines, 2015. Collection method: not provided. Allele origin: germline. Inheritance: Unknown mechanism. Affected: yes.